The following is an entry in ClinVar:

NM_000548.5(TSC2):c.154T>C (p.Cys52Arg)

Gene: TSC2 (TSC complex subunit 2; plus strand). Cytogenetic location: 16p13.3.
Variant type: single nucleotide variant.
Coding change: c.154T>C on transcript NM_000548.5 (MANE Select); coding-DNA position 154, T replaced by C.
Protein change: p.Cys52Arg; replaces cysteine 52 with arginine.
Molecular consequence: missense variant. On other transcripts: 5 prime UTR variant (1).
Genome position (GRCh38, 1-based): chr16:2,050,415, T>C. VCF-style: chr16-2050415-T-C. GRCh37 (hg19) VCF-style: chr16-2100416-T-C.
Other names: c.154T>C, p.Cys52Arg (NM_001077183.3, NM_001114382.3, NM_001318827.2 and 4 more transcripts); c.7T>C, p.Cys3Arg (NM_001318829.2); c.-73T>C (NM_001318831.2); c.187T>C, p.Cys63Arg (NM_001318832.2); short protein forms C3R, C52R, C63R.
Identifiers: ClinVar variation 1005708 (VCV001005708.10), dbSNP rs2084958377, ClinGen allele CA394303164.
Genomic context (GRCh38, chr16:2,050,415, plus strand): 5'-GTGGCCTGAGCACTGGCCCCTTTTTCTTCTTTCATCTCTCTCCAGGAACTGAGCATGGAA[T>C]GTGGCCTCAACAATCGCATCCGGATGATAGGGCAGATTTGTGAAGTCGCAAAAACCAAGA-3'
Protein context (NP_000539.2, residues 42-62): AEILRELSME[Cys52Arg]GLNNRIRMIG

ClinVar aggregate classification (germline): Uncertain significance. Review status: criteria provided, multiple submitters, no conflicts (2 of 4 stars). 2 submissions from 2 submitters: Uncertain significance (2). Last evaluated 2025-10-25.

Conditions:
Tuberous sclerosis 2 (TSC2). Identifiers: Orphanet 805, MedGen C1860707, MONDO:0013199, OMIM 613254.

Submissions (2):

Dasa
Classification: Uncertain significance for Tuberous sclerosis 2. Last evaluated: 2025-10-25. Review status: criteria provided, single submitter. Criteria: DASA Assertion Criteria. Collection method: clinical testing. Allele origin: germline.
Comment: NM_000548.5(TSC2):c.154T>C (p.Cys52Arg) is a missense variant that results in the substitution of cysteine with arginine. This variant is absent from population databases. The currently available literature and clinical evidence are not sufficient to establish a definitive association between this variant and the reported condition. Therefore, this variant is classified as a variant of uncertain significance.

Labcorp Genetics (formerly Invitae), Labcorp
Classification: Uncertain significance for Tuberous sclerosis 2. Last evaluated: 2025-02-27. Review status: criteria provided, single submitter. Criteria: Invitae Variant Classification Sherloc (09022015). Collection method: clinical testing. Allele origin: germline.
Comment: This sequence change replaces cysteine, which is neutral and slightly polar, with arginine, which is basic and polar, at codon 52 of the TSC2 protein (p.Cys52Arg). This variant is not present in population databases (gnomAD no frequency). This variant has not been reported in the literature in individuals affected with TSC2-related conditions. ClinVar contains an entry for this variant (Variation ID: 1005708). Invitae Evidence Modeling of protein sequence and biophysical properties (such as structural, functional, and spatial information, amino acid conservation, physicochemical variation, residue mobility, and thermodynamic stability) indicates that this missense variant is not expected to disrupt TSC2 protein function with a negative predictive value of 95%. In summary, the available evidence is currently insufficient to determine the role of this variant in disease. Therefore, it has been classified as a Variant of Uncertain Significance.